The following is an entry in ClinVar:

ClinVar aggregate classification (germline): Uncertain significance (1 of 4 stars; one submission).

Conditions:
MEGF8-related Carpenter syndrome. Also called: Carpenter syndrome 2. Identifiers: Orphanet 65759, MedGen C3554247, MONDO:0013998, OMIM 614976.

gnomAD v4.1: 116 of 1,612,368 alleles (0.0072%); highest among the groups gnomAD compares: Non-Finnish European, 0.0085%; no homozygotes.

Submission:

Labcorp Genetics (formerly Invitae), Labcorp
Classification: Uncertain significance for MEGF8-related Carpenter syndrome. Last evaluated: 2025-09-14. Review status: criteria provided, single submitter. Criteria: Invitae Variant Classification Sherloc (09022015). Collection method: clinical testing. Allele origin: germline.
Comment: This sequence change replaces arginine, which is basic and polar, with histidine, which is basic and polar, at codon 2659 of the MEGF8 protein (p.Arg2659His). This variant is present in population databases (rs554106070, gnomAD 0.01%). This variant has not been reported in the literature in individuals affected with MEGF8-related conditions. An algorithm developed to predict the effect of missense changes on protein structure and function (PolyPhen-2) suggests that this variant is likely to be tolerated. In summary, the available evidence is currently insufficient to determine the role of this variant in disease. Therefore, it has been classified as a Variant of Uncertain Significance.

NM_001271938.2(MEGF8):c.8177G>A (p.Arg2726His)

Gene: MEGF8 (multiple EGF like domains 8; plus strand). Cytogenetic location: 19q13.2.
Variant type: single nucleotide variant.
Coding change: c.8177G>A on transcript NM_001271938.2 (MANE Select); coding-DNA position 8177, G replaced by A.
Protein change: p.Arg2726His; replaces arginine 2726 with histidine.
Molecular consequence: missense variant.
Genome position (GRCh38, 1-based): chr19:42,376,414, G>A. VCF-style: chr19-42376414-G-A. GRCh37 (hg19) VCF-style: chr19-42880566-G-A.
Other names: c.7976G>A, p.Arg2659His (NM_001410.3); short protein forms R2659H, R2726H.
Identifiers: ClinVar variation 4800445 (VCV004800445.1).
Genomic context (GRCh38, chr19:42,376,414, plus strand): 5'-CTGACCCTACTGCCCCGGCCTCCGCCTGGAAGCCGGCTGGGCTCCCACCTCCCGCCTTCC[G>A]CCGCTCTGAGCCCTTCCTGGCACCCCTGCTGCTGACAGGGGCCGGTGGGCCCTGGGGACC-3'
Protein context (NP_001258867.1, residues 2716-2736): KPAGLPPPAF[Arg2726His]RSEPFLAPLL